The following is an entry in ClinVar:

ClinVar aggregate classification (germline): Uncertain significance. Review status: criteria provided, multiple submitters, no conflicts (2 of 4 stars). 2 submissions from 2 submitters: Uncertain significance (2). Last evaluated 2025-12-11.

Allele frequency attached by ClinVar (database versions not stated): TOPMed below 0.00001; gnomAD 0.00001; ExAC 0.00002.
gnomAD v4.1: 22 of 1,611,714 alleles (0.0014%); highest among the groups gnomAD compares: East Asian, 0.0022%; no homozygotes.

Submissions (2):

Labcorp Genetics (formerly Invitae), Labcorp
Classification: Uncertain significance. Last evaluated: 2025-12-11. Review status: criteria provided, single submitter. Criteria: Invitae Variant Classification Sherloc (09022015). Collection method: clinical testing. Allele origin: germline.
Comment: This sequence change replaces arginine, which is basic and polar, with cysteine, which is neutral and slightly polar, at codon 644 of the TAOK2 protein (p.Arg644Cys). This variant is present in population databases (rs776787473, gnomAD 0.003%). This variant has not been reported in the literature in individuals affected with TAOK2-related conditions. ClinVar contains an entry for this variant (Variation ID: 1918226). An algorithm developed to predict the effect of missense changes on protein structure and function (PolyPhen-2) suggests that this variant is likely to be disruptive. In summary, the available evidence is currently insufficient to determine the role of this variant in disease. Therefore, it has been classified as a Variant of Uncertain Significance.

Ambry Genetics
Classification: Uncertain significance. Last evaluated: 2025-01-15. Review status: criteria provided, single submitter. Criteria: Ambry Variant Classification Scheme 2023. Collection method: clinical testing. Allele origin: germline.

NM_016151.4(TAOK2):c.1930C>T (p.Arg644Cys)

Gene: TAOK2 (TAO kinase 2; plus strand). Cytogenetic location: 16p11.2.
Variant type: single nucleotide variant.
Coding change: c.1930C>T on transcript NM_016151.4 (MANE Select); coding-DNA position 1930, C replaced by T.
Protein change: p.Arg644Cys; replaces arginine 644 with cysteine.
Molecular consequence: missense variant.
Genome position (GRCh38, 1-based): chr16:29,985,799, C>T. VCF-style: chr16-29985799-C-T. GRCh37 (hg19) VCF-style: chr16-29997120-C-T.
Other names: c.1930C>T (NM_016151.2); c.1930C>T, p.Arg644Cys (NM_001252043.2, NM_004783.4); short protein forms R644C.
Identifiers: ClinVar variation 1918226 (VCV001918226.6), dbSNP rs776787473, ClinGen allele CA7998255.